The following is an entry in ClinVar:

ClinVar aggregate classification (germline): Uncertain significance (1 of 4 stars; one submission).

Conditions:
Cardiovascular phenotype. Identifiers: MedGen CN230736.

Submission:

Ambry Genetics
Classification: Uncertain significance for Cardiovascular phenotype. Last evaluated: 2025-06-30. Review status: criteria provided, single submitter. Criteria: Ambry Variant Classification Scheme 2023. Collection method: clinical testing. Allele origin: germline.
Comment: The p.C300G variant (also known as c.898T>G), located in coding exon 8 of the PRDM5 gene, results from a T to G substitution at nucleotide position 898. The cysteine at codon 300 is replaced by glycine, an amino acid with highly dissimilar properties. This amino acid position is conserved. In addition, this alteration is predicted to be deleterious by in silico analysis. Since supporting evidence is limited at this time, the clinical significance of this alteration remains unclear.

NM_018699.4(PRDM5):c.898T>G (p.Cys300Gly)

Gene: PRDM5 (PR/SET domain 5; minus strand). Cytogenetic location: 4q27.
Variant type: single nucleotide variant.
Coding change: c.898T>G on transcript NM_018699.4 (MANE Select); coding-DNA position 898, T replaced by G.
Protein change: p.Cys300Gly; replaces cysteine 300 with glycine.
Molecular consequence: missense variant.
Genome position (GRCh38, 1-based): chr4:120,811,417, A>C on the plus strand (T>G on the coding strand, the complement: PRDM5 is on the minus strand). VCF-style: chr4-120811417-A-C. GRCh37 (hg19) VCF-style: chr4-121732572-A-C.
Other names: c.805T>G, p.Cys269Gly (NM_001300823.2, NM_001300824.2, NM_001379106.1); c.898T>G, p.Cys300Gly (NM_001379104.1); short protein forms C269G, C300G.
Identifiers: ClinVar variation 1765360 (VCV001765360.3), dbSNP rs777726075, ClinGen allele CA3061223.
Genomic context (GRCh38, chr4:120,811,417, plus strand): 5'-TTATCTTACTGACCTTTCTATGTTCCTGTAGGCTTGATGCTGAAGAACACTTTTTATTGC[A>C]CACTGAACATATAAGCTTTTTCTTAGGATCTCCTAAAATAGAAATAAAATACCATGATGA-3'
Protein context (NP_061169.2, residues 290-310): DPKKKLICSV[Cys300Gly]NKKCSSASSL